The following is an entry in ClinVar:

NM_005591.4(MRE11):c.488A>C (p.Asp163Ala)

Gene: MRE11 (MRE11 double strand break repair nuclease; minus strand). Cytogenetic location: 11q21.
Variant type: single nucleotide variant.
Coding change: c.488A>C on transcript NM_005591.4 (MANE Select); coding-DNA position 488, A replaced by C.
Protein change: p.Asp163Ala; replaces aspartic acid 163 with alanine.
Molecular consequence: missense variant.
Genome position (GRCh38, 1-based): chr11:94,478,791, T>G on the plus strand (A>C on the coding strand, the complement: MRE11 is on the minus strand). VCF-style: chr11-94478791-T-G. GRCh37 (hg19) VCF-style: chr11-94211957-T-G.
Other names: c.488A>C, p.Asp163Ala (NM_001330347.2, NM_005590.4); short protein forms D163A.
Identifiers: ClinVar variation 407880 (VCV000407880.15), dbSNP rs1060501783, ClinGen allele CA16613513.

ClinVar aggregate classification (germline): Uncertain significance. Review status: criteria provided, multiple submitters, no conflicts (2 of 4 stars). 2 submissions from 2 submitters: Uncertain significance (2). Last evaluated 2022-10-15.

Conditions:
Ataxia-telangiectasia-like disorder (ATLD). Identifiers: MedGen C1858391, MONDO:0011457.
Hereditary cancer-predisposing syndrome. Also called: Hereditary Cancer Syndrome; Hereditary neoplastic syndrome; Neoplastic Syndromes, Hereditary; Tumor predisposition. Identifiers: Orphanet 140162, MedGen C0027672, MeSH D009386, MONDO:0015356.

Allele frequency attached by ClinVar (database versions not stated): TOPMed below 0.00001.
gnomAD v4.1: 3 of 1,613,750 alleles (0.00019%); highest among the groups gnomAD compares: South Asian, 0.0011%; no homozygotes.

Submissions (2):

Ambry Genetics
Classification: Uncertain significance for Hereditary cancer-predisposing syndrome. Last evaluated: 2022-10-15. Review status: criteria provided, single submitter. Criteria: Ambry Variant Classification Scheme 2023. Collection method: clinical testing. Allele origin: germline.
Comment: The p.D163A variant (also known as c.488A>C), located in coding exon 5 of the MRE11A gene, results from an A to C substitution at nucleotide position 488. The aspartic acid at codon 163 is replaced by alanine, an amino acid with dissimilar properties. This amino acid position is well conserved in available vertebrate species. In addition, the in silico prediction for this alteration is inconclusive. Since supporting evidence is limited at this time, the clinical significance of this alteration remains unclear.

Labcorp Genetics (formerly Invitae), Labcorp
Classification: Uncertain significance for Ataxia-telangiectasia-like disorder. Last evaluated: 2019-04-09. Review status: criteria provided, single submitter. Criteria: Invitae Variant Classification Sherloc (09022015). Collection method: clinical testing. Allele origin: germline.
Comment: This variant is not present in population databases (ExAC no frequency) and has not been reported in the literature in individuals with a MRE11A-related disease. This sequence change replaces aspartic acid with alanine at codon 163 of the MRE11A protein (p.Asp163Ala). The aspartic acid residue is moderately conserved and there is a moderate physicochemical difference between aspartic acid and alanine. Algorithms developed to predict the effect of missense changes on protein structure and function (SIFT, PolyPhen-2, Align-GVGD) all suggest that this variant is likely to be tolerated, but these predictions have not been confirmed by published functional studies. In summary, this variant is a novel missense change that is not predicted to affect protein function. There is no indication that it causes disease, but the available evidence is currently insufficient to prove that conclusively. Therefore, it has been classified as a Variant of Uncertain Significance.